The following is an entry in ClinVar:

ClinVar aggregate classification (germline): Pathogenic/Likely pathogenic. Review status: criteria provided, multiple submitters, no conflicts (2 of 4 stars). 6 submissions from 6 submitters: Pathogenic (5); Likely pathogenic (1). Last evaluated 2025-12-29.

Conditions:
FECH-related disorders.
Protoporphyria, erythropoietic, 1 (EPP1). Also called: FERROCHELATASE DEFICIENCY; HEME SYNTHETASE DEFICIENCY; Erythropoietic Protoporphyria, Autosomal Recessive. Identifiers: Orphanet 79278, MedGen C4692546, MONDO:0008319, OMIM 177000.
FECH-related disorder. Also called: FECH-related condition.

Allele frequency attached by ClinVar (database versions not stated): gnomAD exomes below 0.00001.

Submissions (6):

PreventionGenetics, part of Exact Sciences
Classification: Pathogenic for FECH-related condition. Last evaluated: 2025-12-29. Review status: criteria provided, single submitter. Criteria: ACMG Guidelines, 2015. Collection method: clinical testing. Allele origin: germline.
Comment: The FECH c.286C>T variant is predicted to result in premature protein termination (p.Arg96*). This variant was reported in individuals with erythropoietic protoporphyria (Henriksson et al 1996. PubMed ID: 8601739; Mizawa et al. 2017. PubMed ID: 28443300; Ventura et al 2020. PubMed ID: 33021473). This variant is reported in 0.0033% of alleles in individuals of South Asian descent in gnomAD. Nonsense variants in FECH are expected to be pathogenic. This variant is interpreted as pathogenic.

Genomic Medicine Center of Excellence, King Faisal Specialist Hospital and Research Centre
Classification: Pathogenic for Protoporphyria, erythropoietic, 1. Last evaluated: 2024-12-19. Review status: criteria provided, single submitter. Criteria: ACMG Guidelines, 2015. Collection method: clinical testing. Allele origin: germline.

Blueprint Genetics
Classification: Pathogenic for FECH-related disorders. Last evaluated: 2024-10-14. Review status: criteria provided, single submitter. Criteria: ACMG Guidelines, 2015. Collection method: clinical testing. Allele origin: germline. Affected: yes. Observed: 3 variant alleles.

Labcorp Genetics (formerly Invitae), Labcorp
Classification: Pathogenic. Last evaluated: 2024-05-09. Review status: criteria provided, single submitter. Criteria: Invitae Variant Classification Sherloc (09022015). Collection method: clinical testing. Allele origin: germline.
Comment: This sequence change creates a premature translational stop signal (p.Arg96*) in the FECH gene. It is expected to result in an absent or disrupted protein product. Loss-of-function variants in FECH are known to be pathogenic (PMID: 20105171, 23016163, 23364466). This variant is present in population databases (no rsID available, gnomAD 0.003%). This premature translational stop signal has been observed in individual(s) with autosomal recessive erythropoietic protoporphyria (PMID: 8601739). ClinVar contains an entry for this variant (Variation ID: 1322894). Algorithms developed to predict the effect of sequence changes on RNA splicing suggest that this variant may disrupt the consensus splice site. For these reasons, this variant has been classified as Pathogenic.

GeneDx
Classification: Likely pathogenic. Last evaluated: 2023-08-18. Review status: criteria provided, single submitter. Criteria: GeneDx Variant Classification Process June 2021. Collection method: clinical testing. Allele origin: germline. Affected: yes.
Comment: Observed in an individual with erythropoietic protoporphyria (Henriksson M et al., 1996); Nonsense variant predicted to result in protein truncation or nonsense mediated decay in a gene for which loss of function is a known mechanism of disease; Not observed at significant frequency in large population cohorts (gnomAD); This variant is associated with the following publications: (PMID: 25525159, 33021473, 8601739)

Revvity Omics, Revvity
Classification: Pathogenic for Protoporphyria, erythropoietic, 1. Last evaluated: 2019-05-21. Review status: criteria provided, single submitter. Criteria: ACMG Guidelines, 2015. Collection method: clinical testing. Allele origin: germline.

Literature cited by the submitters: PubMed 20105171 (cited by Labcorp Genetics (formerly Invitae), Labcorp); PubMed 23016163 (cited by Labcorp Genetics (formerly Invitae), Labcorp); PubMed 23364466 (cited by Labcorp Genetics (formerly Invitae), Labcorp); PubMed 8601739 (cited by Labcorp Genetics (formerly Invitae), Labcorp).

NM_000140.5(FECH):c.286C>T (p.Arg96Ter)

Gene: FECH (ferrochelatase; minus strand). Cytogenetic location: 18q21.31.
Variant type: single nucleotide variant.
Coding change: c.286C>T on transcript NM_000140.5 (MANE Select); coding-DNA position 286, C replaced by T.
Protein change: p.Arg96Ter; replaces arginine 96 with a stop codon.
Molecular consequence: nonsense.
Genome position (GRCh38, 1-based): chr18:57,573,274, G>A on the plus strand (C>T on the coding strand, the complement: FECH is on the minus strand). VCF-style: chr18-57573274-G-A. GRCh37 (hg19) VCF-style: chr18-55240506-G-A.
Other names: c.304C>T, p.Arg102Ter (NM_001012515.4); c.286C>T, p.Arg96Ter (NM_001371094.1, NM_001374778.1); c.70C>T, p.Arg24Ter (NM_001371095.1); short protein forms R102*, R24*, R96*.
Identifiers: ClinVar variation 1322894 (VCV001322894.12), dbSNP rs984041251, ClinGen allele CA402536856.